The following is an entry in ClinVar:

NM_001673.5(ASNS):c.256C>T (p.Gln86Ter)

Genes: ASNS (asparagine synthetase (glutamine-hydrolyzing); minus strand), CZ1P-ASNS (CZ1P-ASNS readthrough; minus strand). Cytogenetic location: 7q21.3.
Variant type: single nucleotide variant.
Coding change: c.256C>T on transcript NM_001673.5 (MANE Select); coding-DNA position 256, C replaced by T.
Protein change: p.Gln86Ter; replaces glutamine 86 with a stop codon.
Molecular consequence: nonsense. On other transcripts: non-coding transcript variant (1).
Genome position (GRCh38, 1-based): chr7:97,864,490, G>A on the plus strand (C>T on the coding strand, the complement: ASNS is on the minus strand). VCF-style: chr7-97864490-G-A. GRCh37 (hg19) VCF-style: chr7-97493802-G-A.
Other names: c.256C>T, p.Gln86Ter (NM_133436.3, NM_001352496.2, NM_183356.4); c.193C>T, p.Gln65Ter (NM_001178075.2); c.7C>T, p.Gln3Ter (NM_001178076.2, NM_001178077.1); short protein forms Q3*, Q65*, Q86*.
Identifiers: ClinVar variation 864317 (VCV000864317.7), dbSNP rs1791872386, ClinGen allele CA368272618.
Genomic context (GRCh38, chr7:97,864,490, plus strand): 5'-CATAAAGATGAAGGATTATCTCACCATCCACTTTGGTCTGGTATTCAAATTCAAAATGCT[G>A]TTGCATCTTAGGAAGCGAAAGCAAAACCAAAATGTTAGACTCCTTGTACATTCACTAATA-3'

ClinVar aggregate classification (germline): Pathogenic (1 of 4 stars; one submission).

Submission:

Labcorp Genetics (formerly Invitae), Labcorp
Classification: Pathogenic. Last evaluated: 2020-11-23. Review status: criteria provided, single submitter. Criteria: Invitae Variant Classification Sherloc (09022015). Collection method: clinical testing. Allele origin: germline.
Comment: For these reasons, this variant has been classified as Pathogenic. Loss-of-function variants in ASNS are known to be pathogenic (PMID: 27422383, 30057589). This variant has not been reported in the literature in individuals with ASNS-related conditions. ClinVar contains an entry for this variant (Variation ID: 864317). This variant is not present in population databases (ExAC no frequency). This sequence change creates a premature translational stop signal (p.Gln86*) in the ASNS gene. It is expected to result in an absent or disrupted protein product.

Literature cited by the submitters: PubMed 27422383; PubMed 30057589.